The following is an entry in ClinVar:

ClinVar aggregate classification (germline): Uncertain significance. Review status: criteria provided, multiple submitters, no conflicts (2 of 4 stars). 3 submissions from 3 submitters: Uncertain significance (3). Last evaluated 2024-08-21.

Conditions:
Mitochondrial hypertrophic cardiomyopathy with lactic acidosis due to MTO1 deficiency. Also called: Combined oxidative phosphorylation deficiency 10; CARDIOMYOPATHY, INFANTILE HYPERTROPHIC MITOCHONDRIAL, AND LACTIC ACIDOSIS. Identifiers: Orphanet 314637, MedGen C4749921, MONDO:0013865, OMIM 614702.
Inborn genetic diseases. Identifiers: MedGen C0950123, MeSH D030342.

Allele frequency attached by ClinVar (database versions not stated): gnomAD exomes 0.00001; TOPMed 0.00001; ExAC 0.00003.
gnomAD v4.1: 15 of 1,613,886 alleles (0.00093%); highest among the groups gnomAD compares: South Asian, 0.0044%; no homozygotes.

Submissions (3):

Blueprint Genetics
Classification: Uncertain significance. Last evaluated: 2024-08-21. Review status: criteria provided, single submitter. Criteria: ACMG Guidelines, 2015. Collection method: clinical testing. Allele origin: germline.

Labcorp Genetics (formerly Invitae), Labcorp
Classification: Uncertain significance for Mitochondrial hypertrophic cardiomyopathy with lactic acidosis due to MTO1 deficiency. Last evaluated: 2022-04-01. Review status: criteria provided, single submitter. Criteria: Invitae Variant Classification Sherloc (09022015). Collection method: clinical testing. Allele origin: germline.
Comment: This sequence change replaces arginine, which is basic and polar, with glutamine, which is neutral and polar, at codon 242 of the MTO1 protein (p.Arg242Gln). This variant is present in population databases (rs764063598, gnomAD 0.006%). This variant has not been reported in the literature in individuals affected with MTO1-related conditions. Algorithms developed to predict the effect of missense changes on protein structure and function are either unavailable or do not agree on the potential impact of this missense change (SIFT: "Deleterious"; PolyPhen-2: "Probably Damaging"; Align-GVGD: "Class C0"). In summary, the available evidence is currently insufficient to determine the role of this variant in disease. Therefore, it has been classified as a Variant of Uncertain Significance.

Ambry Genetics
Classification: Uncertain significance for Inborn genetic diseases. Last evaluated: 2021-08-11. Review status: criteria provided, single submitter. Criteria: Ambry Variant Classification Scheme 2023. Collection method: clinical testing. Allele origin: germline.

NM_012123.4(MTO1):c.725G>A (p.Arg242Gln)

Gene: MTO1 (mitochondrial tRNA translation optimization 1; plus strand). Cytogenetic location: 6q13.
Variant type: single nucleotide variant.
Coding change: c.725G>A on transcript NM_012123.4 (MANE Select); coding-DNA position 725, G replaced by A.
Protein change: p.Arg242Gln; replaces arginine 242 with glutamine.
Molecular consequence: missense variant.
Genome position (GRCh38, 1-based): chr6:73,473,554, G>A. VCF-style: chr6-73473554-G-A. GRCh37 (hg19) VCF-style: chr6-74183277-G-A.
Other names: c.725G>A, p.Arg242Gln (NM_001123226.2, NM_133645.3); c.725G>A (NM_001123226.1); short protein forms R242Q.
Identifiers: ClinVar variation 2052414 (VCV002052414.3), dbSNP rs764063598, ClinGen allele CA3889427.